The following is an entry in ClinVar:

NM_020937.4(FANCM):c.1565A>C (p.Gln522Pro)

Gene: FANCM (FA complementation group M; plus strand). Cytogenetic location: 14q21.2.
Variant type: single nucleotide variant.
Coding change: c.1565A>C on transcript NM_020937.4 (MANE Select); coding-DNA position 1565, A replaced by C.
Protein change: p.Gln522Pro; replaces glutamine 522 with proline.
Molecular consequence: missense variant.
Genome position (GRCh38, 1-based): chr14:45,159,264, A>C. VCF-style: chr14-45159264-A-C. GRCh37 (hg19) VCF-style: chr14-45628467-A-C.
Other names: c.1487A>C, p.Gln496Pro (NM_001308133.2); c.1565A>C, p.Gln522Pro (NM_001308134.2); short protein forms Q522P, Q496P.
Identifiers: ClinVar variation 946874 (VCV000946874.9), dbSNP rs371569048, ClinGen allele CA389592721.

ClinVar aggregate classification (germline): Uncertain significance (1 of 4 stars; one submission).

Conditions:
Fanconi anemia (FA). Also called: Fanconi's anemia. Identifiers: Orphanet 84, MedGen C0015625, MeSH D005199, MONDO:0019391.

Submission:

Labcorp Genetics (formerly Invitae), Labcorp
Classification: Uncertain significance for Fanconi anemia. Last evaluated: 2019-05-28. Review status: criteria provided, single submitter. Criteria: Invitae Variant Classification Sherloc (09022015). Collection method: clinical testing. Allele origin: germline.
Comment: In summary, the available evidence is currently insufficient to determine the role of this variant in disease. Therefore, it has been classified as a Variant of Uncertain Significance. This sequence change replaces glutamine with proline at codon 522 of the FANCM protein (p.Gln522Pro). The glutamine residue is highly conserved and there is a moderate physicochemical difference between glutamine and proline. This variant is not present in population databases (ExAC no frequency). This variant has not been reported in the literature in individuals with FANCM-related conditions. Algorithms developed to predict the effect of missense changes on protein structure and function are either unavailable or do not agree on the potential impact of this missense change (SIFT: "Deleterious"; PolyPhen-2: "Possibly Damaging"; Align-GVGD: "Class C0").